The following is an entry in ClinVar:

ClinVar aggregate classification (germline): Uncertain significance (1 of 4 stars; one submission).

Conditions:
Charcot-Marie-Tooth disease type 4. Also called: Charcot-Marie-Tooth disease, type IV; Charcot-Marie-Tooth, Type 4. Identifiers: Orphanet 64749, MedGen C4082197, MONDO:0018995.

Allele frequency attached by ClinVar (database versions not stated): gnomAD exomes below 0.00001; ExAC 0.00001; TOPMed 0.00001.
gnomAD v4.1: 3 of 1,566,748 alleles (0.00019%); highest among the groups gnomAD compares: Admixed American, 0.0033%; no homozygotes.

Submission:

Labcorp Genetics (formerly Invitae), Labcorp
Classification: Uncertain significance for Charcot-Marie-Tooth disease type 4. Last evaluated: 2022-08-18. Review status: criteria provided, single submitter. Criteria: Invitae Variant Classification Sherloc (09022015). Collection method: clinical testing. Allele origin: germline.
Comment: In summary, the available evidence is currently insufficient to determine the role of this variant in disease. Therefore, it has been classified as a Variant of Uncertain Significance. Algorithms developed to predict the effect of missense changes on protein structure and function output the following: SIFT: "Tolerated"; PolyPhen-2: "Benign"; Align-GVGD: "Class C0". The glycine amino acid residue is found in multiple mammalian species, which suggests that this missense change does not adversely affect protein function. This variant has not been reported in the literature in individuals affected with FIG4-related conditions. This variant is present in population databases (rs766573405, gnomAD 0.006%). This sequence change replaces glutamic acid, which is acidic and polar, with glycine, which is neutral and non-polar, at codon 638 of the FIG4 protein (p.Glu638Gly).

NM_014845.6(FIG4):c.1913A>G (p.Glu638Gly)

Gene: FIG4 (FIG4 phosphoinositide 5-phosphatase; plus strand). Cytogenetic location: 6q21.
Variant type: single nucleotide variant.
Coding change: c.1913A>G on transcript NM_014845.6 (MANE Select); coding-DNA position 1913, A replaced by G.
Protein change: p.Glu638Gly; replaces glutamic acid 638 with glycine.
Molecular consequence: missense variant.
Genome position (GRCh38, 1-based): chr6:109,784,993, A>G. VCF-style: chr6-109784993-A-G. GRCh37 (hg19) VCF-style: chr6-110106196-A-G.
Other names: short protein forms E638G.
Identifiers: ClinVar variation 2175798 (VCV002175798.2), dbSNP rs766573405, ClinGen allele CA3956228.